The following is an entry in ClinVar:

NM_033026.6(PCLO):c.4026dup (p.Asp1343fs)

Gene: PCLO (piccolo presynaptic cytomatrix protein; minus strand). Cytogenetic location: 7q21.11.
Variant type: Duplication.
Coding change: c.4026dup on transcript NM_033026.6 (MANE Select); coding-DNA position 4026, one base duplicated (A; older notation c.4026dupA).
Protein change: p.Asp1343fs; shifts the reading frame from aspartic acid 1343.
Molecular consequence: frameshift variant.
Genome position (GRCh38, 1-based): chr7:82,956,927, T duplicated on the plus strand (A on the coding strand, the reverse complement: PCLO is on the minus strand); the first of 2 consecutive T bases (chr7:82,956,927-82,956,928); duplicating either gives the same sequence. VCF-style (leftmost placement, unchanged base first): chr7-82956926-C-CT. GRCh37 (hg19) VCF-style: chr7-82586242-C-CT.
Other names: c.4026dup, p.Asp1343fs (NM_014510.3); short protein forms D1343fs.
Identifiers: ClinVar variation 2838395 (VCV002838395.3), dbSNP rs2535714080, ClinGen allele CA2739266514.

ClinVar aggregate classification (germline): Pathogenic (1 of 4 stars; one submission).

Submission:

Labcorp Genetics (formerly Invitae), Labcorp
Classification: Pathogenic. Last evaluated: 2023-04-09. Review status: criteria provided, single submitter. Criteria: Invitae Variant Classification Sherloc (09022015). Collection method: clinical testing. Allele origin: germline.
Comment: For these reasons, this variant has been classified as Pathogenic. This variant has not been reported in the literature in individuals affected with PCLO-related conditions. This variant is not present in population databases (gnomAD no frequency). This sequence change creates a premature translational stop signal (p.Asp1343Argfs*2) in the PCLO gene. It is expected to result in an absent or disrupted protein product. Loss-of-function variants in PCLO are known to be pathogenic (PMID: 25832664, 30287594).

Literature cited by the submitters: PubMed 25832664; PubMed 30287594.